The following is an entry in ClinVar:

ClinVar aggregate classification (germline): Pathogenic (1 of 4 stars; one submission).

Submission:

Labcorp Genetics (formerly Invitae), Labcorp
Classification: Pathogenic. Last evaluated: 2022-04-07. Review status: criteria provided, single submitter. Criteria: Invitae Variant Classification Sherloc (09022015). Collection method: clinical testing. Allele origin: germline.
Comment: This variant is not present in population databases (gnomAD no frequency). This sequence change creates a premature translational stop signal (p.Glu268*) in the COL11A1 gene. It is expected to result in an absent or disrupted protein product. Loss-of-function variants in COL11A1 are known to be pathogenic (PMID: 20513134, 21035103, 23922384, 25240749, 32427345, 32756486). This variant has not been reported in the literature in individuals affected with COL11A1-related conditions. For these reasons, this variant has been classified as Pathogenic.

Literature cited by the submitters: PubMed 20513134; PubMed 21035103; PubMed 23922384; PubMed 25240749; PubMed 32427345; PubMed 32756486.

NM_001854.4(COL11A1):c.802G>T (p.Glu268Ter)

Gene: COL11A1 (collagen type XI alpha 1 chain; minus strand). Cytogenetic location: 1p21.1.
Variant type: single nucleotide variant.
Coding change: c.802G>T on transcript NM_001854.4 (MANE Select); coding-DNA position 802, G replaced by T.
Protein change: p.Glu268Ter; replaces glutamic acid 268 with a stop codon.
Molecular consequence: nonsense. On other transcripts: non-coding transcript variant (1), intron variant (2).
Genome position (GRCh38, 1-based): chr1:103,026,311, C>A on the plus strand (G>T on the coding strand, the complement: COL11A1 is on the minus strand). VCF-style: chr1-103026311-C-A. GRCh37 (hg19) VCF-style: chr1-103491867-C-A.
Other names: c.802G>T, p.Glu268Ter (NM_001168249.1, NM_080630.4); c.781-698G>T (NM_001190709.2); c.781-359G>T (NM_080629.3); short protein forms E268*.
Identifiers: ClinVar variation 2122480 (VCV002122480.4), dbSNP rs1341498364, ClinGen allele CA341157469.
Genomic context (GRCh38, chr1:103,026,311, plus strand): 5'-GTCCCTCTGTTACACTTTCAGCCTCTTTATACTCTGCTTCCCCATACTCATAGTCATATT[C>A]GATTATATCCTCTGGTGCATACTACATTGCAAAGGAAAAAATATCAGGCAATTGTGTTAG-3'